The following is an entry in ClinVar:

NM_032242.4(PLXNA1):c.2082C>T (p.Ala694=)

Gene: PLXNA1 (plexin A1; plus strand). Cytogenetic location: 3q21.3.
Variant type: single nucleotide variant.
Coding change: c.2082C>T on transcript NM_032242.4 (MANE Select); coding-DNA position 2082, C replaced by T.
Protein change: p.Ala694=; no amino-acid change (alanine 694 retained).
Molecular consequence: synonymous variant.
Genome position (GRCh38, 1-based): chr3:127,007,883, C>T. VCF-style: chr3-127007883-C-T. GRCh37 (hg19) VCF-style: chr3-126726726-C-T.
Identifiers: ClinVar variation 3358405 (VCV003358405.1).
Genomic context (GRCh38, chr3:127,007,883, plus strand): 5'-CTTTCCCTGCCACTGGTGCAAATACCGCCACGTGTGCACACACAACGTGGCTGACTGCGC[C>T]TTCCTGGAGGGCCGTGTCAACGTGTCTGAGGTAAGGCCGGGCAAGGGTGAGGGTCAGGTT-3'
Protein context (NP_115618.3, residues 684-704): HVCTHNVADC[Ala694=]FLEGRVNVSE

ClinVar aggregate classification (germline): Likely benign (0 of 4 stars; one submission).

Conditions:
PLXNA1-related disorder. Also called: PLXNA1-related condition.

gnomAD v4.1: 41 of 1,611,750 alleles (0.0025%); highest among the groups gnomAD compares: Non-Finnish European, 0.0035%; no homozygotes.

Submission:

PreventionGenetics, part of Exact Sciences
Classification: Likely benign for PLXNA1-related condition. Last evaluated: 2023-08-16. Review status: no assertion criteria provided. Collection method: clinical testing. Allele origin: germline.
Comment: This variant is classified as likely benign based on ACMG/AMP sequence variant interpretation guidelines (Richards et al. 2015 PMID: 25741868, with internal and published modifications).